The following is an entry in ClinVar:

ClinVar aggregate classification (germline): Uncertain significance (1 of 4 stars; one submission).

Conditions:
Spastic paraplegia. Identifiers: MedGen C0037772, HP:0001258.

Allele frequency attached by ClinVar (database versions not stated): gnomAD exomes below 0.00001.
gnomAD v4.1: 5 of 1,614,168 alleles (0.00031%); highest among the groups gnomAD compares: Middle Eastern, 0.016%; no homozygotes.

Submission:

Labcorp Genetics (formerly Invitae), Labcorp
Classification: Uncertain significance for Spastic paraplegia. Last evaluated: 2024-01-08. Review status: criteria provided, single submitter. Criteria: Invitae Variant Classification Sherloc (09022015). Collection method: clinical testing. Allele origin: germline.
Comment: This sequence change replaces asparagine, which is neutral and polar, with aspartic acid, which is acidic and polar, at codon 264 of the AP4E1 protein (p.Asn264Asp). This variant is not present in population databases (gnomAD no frequency). This variant has not been reported in the literature in individuals affected with AP4E1-related conditions. ClinVar contains an entry for this variant (Variation ID: 1515940). An algorithm developed to predict the effect of missense changes on protein structure and function (PolyPhen-2) suggests that this variant is likely to be disruptive. In summary, the available evidence is currently insufficient to determine the role of this variant in disease. Therefore, it has been classified as a Variant of Uncertain Significance.

NM_007347.5(AP4E1):c.790A>G (p.Asn264Asp)

Gene: AP4E1 (adaptor related protein complex 4 subunit epsilon 1; plus strand). Cytogenetic location: 15q21.2.
Variant type: single nucleotide variant.
Coding change: c.790A>G on transcript NM_007347.5 (MANE Select); coding-DNA position 790, A replaced by G.
Protein change: p.Asn264Asp; replaces asparagine 264 with aspartic acid.
Molecular consequence: missense variant.
Genome position (GRCh38, 1-based): chr15:50,930,892, A>G. VCF-style: chr15-50930892-A-G. GRCh37 (hg19) VCF-style: chr15-51223089-A-G.
Other names: c.565A>G, p.Asn189Asp (NM_001252127.2); short protein forms N189D, N264D.
Identifiers: ClinVar variation 1515940 (VCV001515940.7), dbSNP rs2141157904, ClinGen allele CA392416181.